The following is an entry in ClinVar:

ClinVar aggregate classification (germline): Uncertain significance (1 of 4 stars; one submission).

Conditions:
Immunodeficiency, common variable, 7. Identifiers: Orphanet 1572, Orphanet 696894, MedGen C3542922, MONDO:0013862, OMIM 614699.

gnomAD v4.1: 1 of 1,614,010 alleles (0.000062%); no homozygotes.

Submission:

Labcorp Genetics (formerly Invitae), Labcorp
Classification: Uncertain significance for Immunodeficiency, common variable, 7. Last evaluated: 2019-09-18. Review status: criteria provided, single submitter. Criteria: Invitae Variant Classification Sherloc (09022015). Collection method: clinical testing. Allele origin: germline.
Comment: In summary, the available evidence is currently insufficient to determine the role of this variant in disease. Therefore, it has been classified as a Variant of Uncertain Significance. Algorithms developed to predict the effect of missense changes on protein structure and function output the following: SIFT: "Tolerated"; PolyPhen-2: "Benign"; Align-GVGD: "Class C0". The glutamic acid amino acid residue is found in multiple mammalian species, suggesting that this missense change does not adversely affect protein function. These predictions have not been confirmed by published functional studies and their clinical significance is uncertain. This variant has not been reported in the literature in individuals with CR2-related conditions. This variant is not present in population databases (ExAC no frequency). This sequence change replaces alanine with glutamic acid at codon 794 of the CR2 protein (p.Ala794Glu). The alanine residue is moderately conserved and there is a moderate physicochemical difference between alanine and glutamic acid.

NM_001006658.3(CR2):c.2381C>A (p.Ala794Glu)

Gene: CR2 (complement C3d receptor 2; plus strand). Cytogenetic location: 1q32.2.
Variant type: single nucleotide variant.
Coding change: c.2381C>A on transcript NM_001006658.3 (MANE Select); coding-DNA position 2381, C replaced by A.
Protein change: p.Ala794Glu; replaces alanine 794 with glutamic acid.
Molecular consequence: missense variant.
Genome position (GRCh38, 1-based): chr1:207,474,881, C>A. VCF-style: chr1-207474881-C-A. GRCh37 (hg19) VCF-style: chr1-207648226-C-A.
Other names: c.2204C>A, p.Ala735Glu (NM_001877.5); short protein forms A794E, A735E.
Identifiers: ClinVar variation 961421 (VCV000961421.9), dbSNP rs1658390177, ClinGen allele CA344537586.